The following is an entry in ClinVar:

ClinVar aggregate classification (germline): Uncertain significance. Review status: criteria provided, multiple submitters, no conflicts (2 of 4 stars). 3 submissions from 3 submitters: Uncertain significance (3). Last evaluated 2025-11-20.

Conditions:
Inborn genetic diseases. Identifiers: MedGen C0950123, MeSH D030342.

Allele frequency attached by ClinVar (database versions not stated): gnomAD exomes 0.00001; ExAC 0.00002; TOPMed 0.00007; gnomAD 0.00008; ESP Exome Variant Server 0.00015.
gnomAD v4.1: 31 of 1,613,880 alleles (0.0019%); highest among the groups gnomAD compares: African/African-American, 0.02%; no homozygotes.

Submissions (3):

GeneDx
Classification: Uncertain significance. Last evaluated: 2025-11-20. Review status: criteria provided, single submitter. Criteria: GeneDx Variant Classification Process June 2021. Collection method: clinical testing. Allele origin: germline. Affected: yes.
Comment: In silico analysis supports that this missense variant has a deleterious effect on protein structure/function; Has not been previously published as pathogenic or benign to our knowledge

Ambry Genetics
Classification: Uncertain significance for Inborn genetic diseases. Last evaluated: 2025-11-12. Review status: criteria provided, single submitter. Criteria: Ambry Variant Classification Scheme 2023. Collection method: clinical testing. Allele origin: germline.

Labcorp Genetics (formerly Invitae), Labcorp
Classification: Uncertain significance. Last evaluated: 2025-10-01. Review status: criteria provided, single submitter. Criteria: Invitae Variant Classification Sherloc (09022015). Collection method: clinical testing. Allele origin: germline.
Comment: This sequence change replaces arginine, which is basic and polar, with glutamine, which is neutral and polar, at codon 356 of the AARS2 protein (p.Arg356Gln). This variant is present in population databases (rs138470959, gnomAD 0.02%). This variant has not been reported in the literature in individuals affected with AARS2-related conditions. ClinVar contains an entry for this variant (Variation ID: 2148945). Invitae Evidence Modeling of protein sequence and biophysical properties (such as structural, functional, and spatial information, amino acid conservation, physicochemical variation, residue mobility, and thermodynamic stability) indicates that this missense variant is expected to disrupt AARS2 protein function with a positive predictive value of 80%. In summary, the available evidence is currently insufficient to determine the role of this variant in disease. Therefore, it has been classified as a Variant of Uncertain Significance.

NM_020745.4(AARS2):c.1067G>A (p.Arg356Gln)

Gene: AARS2 (alanyl-tRNA synthetase 2, mitochondrial; minus strand). Cytogenetic location: 6p21.1.
Variant type: single nucleotide variant.
Coding change: c.1067G>A on transcript NM_020745.4 (MANE Select); coding-DNA position 1067, G replaced by A.
Protein change: p.Arg356Gln; replaces arginine 356 with glutamine.
Molecular consequence: missense variant.
Genome position (GRCh38, 1-based): chr6:44,307,005, C>T on the plus strand (G>A on the coding strand, the complement: AARS2 is on the minus strand). VCF-style: chr6-44307005-C-T. GRCh37 (hg19) VCF-style: chr6-44274742-C-T.
Other names: short protein forms R356Q.
Identifiers: ClinVar variation 2148945 (VCV002148945.7), dbSNP rs138470959, ClinGen allele CA3834449.
Genomic context (GRCh38, chr6:44,307,005, plus strand): 5'-ACCAGGCTGCCTAGGAAGCCAGGTGGTGCCTTTAAGATCTCCATGGAGAAACGCACAGCT[C>T]GACGCAGGATCCGACGAAGAACCAGCCTAAAGGGGTTCAGAGCCCAGACATGAATCCCCA-3'
Protein context (NP_065796.2, residues 346-366): PPLVLRRILR[Arg356Gln]AVRFSMEILK